The following is an entry in ClinVar:

NM_001144967.3(NEDD4L):c.1502C>T (p.Pro501Leu)

Gene: NEDD4L (NEDD4 like E3 ubiquitin protein ligase; plus strand). Cytogenetic location: 18q21.31.
Variant type: single nucleotide variant.
Coding change: c.1502C>T on transcript NM_001144967.3 (MANE Select); coding-DNA position 1502, C replaced by T.
Protein change: p.Pro501Leu; replaces proline 501 with leucine.
Molecular consequence: missense variant.
Genome position (GRCh38, 1-based): chr18:58,343,030, C>T. VCF-style: chr18-58343030-C-T. GRCh37 (hg19) VCF-style: chr18-56010262-C-T.
Other names: c.1139C>T, p.Pro380Leu (NM_001144964.1, NM_001144965.2, NM_001144966.3); c.1478C>T, p.Pro493Leu (NM_001144968.2); c.1418C>T, p.Pro473Leu (NM_001144969.2); c.1079C>T, p.Pro360Leu (NM_001144970.3, NM_001144971.2); c.1310C>T, p.Pro437Leu (NM_001243960.2); c.2339C>T, p.Pro780Leu (NM_001437337.1); c.1442C>T, p.Pro481Leu (NM_015277.6); short protein forms P360L, P380L, P437L, P473L, P481L, P493L, P501L, P780L.
Identifiers: ClinVar variation 4536791 (VCV004536791.1).
Genomic context (GRCh38, chr18:58,343,030, plus strand): 5'-AGCCATCACCTTACAACTCCCCCAAACCACAACACAAAGTCACACAGAGCTTCTTGCCAC[C>T]CGGCTGGGAAATGAGGATAGCGCCAAACGGCCGGCCCTTCTTCATTGATCATAACACAAA-3'
Protein context (NP_001138439.1, residues 491-511): QHKVTQSFLP[Pro501Leu]GWEMRIAPNG

ClinVar aggregate classification (germline): Uncertain significance (1 of 4 stars; one submission).

gnomAD v4.1: 1 of 1,613,508 alleles (0.000062%); highest among the groups gnomAD compares: South Asian, 0.0011%; no homozygotes.

Submission:

Women's Health and Genetics/Laboratory Corporation of America, LabCorp
Classification: Uncertain significance. Last evaluated: 2025-11-12. Review status: criteria provided, single submitter. Criteria: LabCorp Variant Classification Summary - May 2015. Collection method: clinical testing. Allele origin: germline.
Comment: Variant summary: NEDD4L c.1502C>T (p.Pro501Leu) results in a non-conservative amino acid change in the encoded protein sequence. Algorithms developed to predict the effect of missense changes on protein structure and function all suggest that this variant is likely to be disruptive. The variant was absent in 248482 control chromosomes. The available data on variant occurrences in the general population are insufficient to allow any conclusion about variant significance. To our knowledge, no occurrence of c.1502C>T in individuals affected with NEDD4L-related conditions and no experimental evidence demonstrating its impact on protein function have been reported. No submitters have cited clinical-significance assessments for this variant to ClinVar. Based on the evidence outlined above, the variant was classified as uncertain significance.